The following is an entry in ClinVar:

NM_006306.4(SMC1A):c.371T>A (p.Leu124Ter)

Gene: SMC1A (structural maintenance of chromosomes 1A; minus strand). Cytogenetic location: Xp11.22.
Variant type: single nucleotide variant.
Coding change: c.371T>A on transcript NM_006306.4 (MANE Select); coding-DNA position 371, T replaced by A.
Protein change: p.Leu124Ter; replaces leucine 124 with a stop codon.
Molecular consequence: nonsense.
Genome position (GRCh38, 1-based): chrX:53,414,798, A>T on the plus strand (T>A on the coding strand, the complement: SMC1A is on the minus strand). VCF-style: chrX-53414798-A-T. GRCh37 (hg19) VCF-style: chrX-53441747-A-T.
Other names: c.305T>A, p.Leu102Ter (NM_001281463.1); short protein forms L102*, L124*.
Identifiers: ClinVar variation 2087572 (VCV002087572.4), dbSNP rs1556891045, ClinGen allele CA413131522.

ClinVar aggregate classification (germline): Pathogenic (1 of 4 stars; one submission).

Conditions:
Congenital muscular hypertrophy-cerebral syndrome (CDLS2). Also called: SMC1A-Related Cornelia de Lange Syndrome; Cornelia de Lange syndrome 2. Identifiers: Orphanet 199, MedGen C1802395, MONDO:0010370, OMIM 300590.

Submission:

Labcorp Genetics (formerly Invitae), Labcorp
Classification: Pathogenic for Congenital muscular hypertrophy-cerebral syndrome. Last evaluated: 2022-08-16. Review status: criteria provided, single submitter. Criteria: Invitae Variant Classification Sherloc (09022015). Collection method: clinical testing. Allele origin: germline.
Comment: For these reasons, this variant has been classified as Pathogenic. This sequence change creates a premature translational stop signal (p.Leu124*) in the SMC1A gene. It is expected to result in an absent or disrupted protein product. Loss-of-function variants in SMC1A are known to be pathogenic (PMID: 26386245, 27334371, 28166369, 28548707, 31334757). This variant is not present in population databases (gnomAD no frequency). This variant has not been reported in the literature in individuals affected with SMC1A-related conditions.

Literature cited by the submitters: PubMed 26386245; PubMed 27334371; PubMed 28166369; PubMed 28548707; PubMed 31334757.